The following is an entry in ClinVar:

ClinVar aggregate classification (germline): Uncertain significance (1 of 4 stars; one submission).

Allele frequency attached by ClinVar (database versions not stated): gnomAD exomes below 0.00001; TOPMed below 0.00001; gnomAD 0.00001.
gnomAD v4.1: 2 of 1,613,544 alleles (0.00012%); highest among the groups gnomAD compares: Non-Finnish European, 0.00017%; no homozygotes.

Submission:

Labcorp Genetics (formerly Invitae), Labcorp
Classification: Uncertain significance. Last evaluated: 2021-04-16. Review status: criteria provided, single submitter. Criteria: Invitae Variant Classification Sherloc (09022015). Collection method: clinical testing. Allele origin: germline.
Comment: This variant is not present in population databases (ExAC no frequency). In summary, the available evidence is currently insufficient to determine the role of this variant in disease. Therefore, it has been classified as a Variant of Uncertain Significance. Algorithms developed to predict the effect of missense changes on protein structure and function are either unavailable or do not agree on the potential impact of this missense change (SIFT: "Not Available"; PolyPhen-2: "Possibly Damaging"; Align-GVGD: "Not Available"). This variant has not been reported in the literature in individuals with UNC45A-related conditions. This sequence change replaces glutamic acid with glycine at codon 665 of the UNC45A protein (p.Glu665Gly). The glutamic acid residue is highly conserved and there is a moderate physicochemical difference between glutamic acid and glycine.

NM_018671.5(UNC45A):c.1994A>G (p.Glu665Gly)

Gene: UNC45A (unc-45 myosin chaperone A; plus strand). Cytogenetic location: 15q26.1.
Variant type: single nucleotide variant.
Coding change: c.1994A>G on transcript NM_018671.5 (MANE Select); coding-DNA position 1994, A replaced by G.
Protein change: p.Glu665Gly; replaces glutamic acid 665 with glycine.
Molecular consequence: missense variant.
Genome position (GRCh38, 1-based): chr15:90,949,431, A>G. VCF-style: chr15-90949431-A-G. GRCh37 (hg19) VCF-style: chr15-91492661-A-G.
Other names: c.1949A>G, p.Glu650Gly (NM_001039675.2, NM_001323621.2); c.1994A>G, p.Glu665Gly (NM_001323619.1); c.1559A>G, p.Glu520Gly (NM_001323620.2); short protein forms E650G, E665G, E520G.
Identifiers: ClinVar variation 1448963 (VCV001448963.6), dbSNP rs2036766464, ClinGen allele CA393860168.